The following is an entry in ClinVar:

ClinVar aggregate classification (germline): Uncertain significance (1 of 4 stars; one submission).

Conditions:
Hereditary cancer-predisposing syndrome. Also called: Neoplastic Syndromes, Hereditary; Tumor predisposition; Hereditary Cancer Syndrome; Hereditary neoplastic syndrome. Identifiers: Orphanet 140162, MedGen C0027672, MeSH D009386, MONDO:0015356.

Submission:

Ambry Genetics
Classification: Uncertain significance for Hereditary cancer-predisposing syndrome. Last evaluated: 2021-02-26. Review status: criteria provided, single submitter. Criteria: Ambry Variant Classification Scheme 2023. Collection method: clinical testing. Allele origin: germline.
Comment: The p.T609N variant (also known as c.1826C>A), located in coding exon 12 of the BRIP1 gene, results from a C to A substitution at nucleotide position 1826. The threonine at codon 609 is replaced by asparagine, an amino acid with similar properties. This amino acid position is well conserved in available vertebrate species. In addition, this alteration is predicted to be tolerated by in silico analysis. Since supporting evidence is limited at this time, the clinical significance of this alteration remains unclear.

NM_032043.3(BRIP1):c.1826C>A (p.Thr609Asn)

Gene: BRIP1 (BRCA1 interacting DNA helicase 1; minus strand). Cytogenetic location: 17q23.2.
Variant type: single nucleotide variant.
Coding change: c.1826C>A on transcript NM_032043.3 (MANE Select); coding-DNA position 1826, C replaced by A.
Protein change: p.Thr609Asn; replaces threonine 609 with asparagine.
Molecular consequence: missense variant.
Genome position (GRCh38, 1-based): chr17:61,780,370, G>T on the plus strand (C>A on the coding strand, the complement: BRIP1 is on the minus strand). VCF-style: chr17-61780370-G-T. GRCh37 (hg19) VCF-style: chr17-59857731-G-T.
Other names: short protein forms T609N.
Identifiers: ClinVar variation 1780845 (VCV001780845.2), dbSNP rs2077597651, ClinGen allele CA400480165.